The following is an entry in ClinVar:

ClinVar aggregate classification (germline): Uncertain significance (1 of 4 stars; one submission).

Allele frequency attached by ClinVar (database versions not stated): gnomAD exomes below 0.00001; TOPMed below 0.00001; gnomAD 0.00001.
gnomAD v4.1: 3 of 1,177,194 alleles (0.00025%); highest among the groups gnomAD compares: Non-Finnish European, 0.00034%; no homozygotes.

Submission:

Women's Health and Genetics/Laboratory Corporation of America, LabCorp
Classification: Uncertain significance. Last evaluated: 2023-07-27. Review status: criteria provided, single submitter. Criteria: LabCorp Variant Classification Summary - May 2015. Collection method: clinical testing. Allele origin: germline.
Comment: Variant summary: DLG3 c.351T>C alters a conserved nucleotide resulting in a synonymous change. Several computational tools predict a significant impact on normal splicing: Three predict the variant strengthens a cryptic 5 donor site. However, these predictions have yet to be confirmed by functional studies. The variant allele was found at a frequency of 8.3e-06 in 120934 control chromosomes. The available data on variant occurrences in the general population are insufficient to allow any conclusion about variant significance. To our knowledge, no occurrence of c.351T>C in individuals affected with Intellectual Disability, X-Linked 90 and no experimental evidence demonstrating its impact on protein function have been reported. No submitters have cited clinical-significance assessments for this variant to ClinVar after 2014. Based on the evidence outlined above, the variant was classified as uncertain significance.

NM_021120.4(DLG3):c.351T>C (p.Tyr117=)

Gene: DLG3 (discs large MAGUK scaffold protein 3; plus strand). Cytogenetic location: Xq13.1.
Variant type: single nucleotide variant.
Coding change: c.351T>C on transcript NM_021120.4 (MANE Select); coding-DNA position 351, T replaced by C.
Protein change: p.Tyr117=; no amino-acid change (tyrosine 117 retained).
Molecular consequence: synonymous variant.
Genome position (GRCh38, 1-based): chrX:70,445,552, T>C. VCF-style: chrX-70445552-T-C. GRCh37 (hg19) VCF-style: chrX-69665402-T-C.
Identifiers: ClinVar variation 2577138 (VCV002577138.1), dbSNP rs1241142887, ClinGen allele CA516851043.